The following is an entry in ClinVar:

ClinVar aggregate classification (germline): Uncertain significance (1 of 4 stars; one submission).

Submission:

GeneDx
Classification: Uncertain significance. Last evaluated: 2024-08-05. Review status: criteria provided, single submitter. Criteria: GeneDx Variant Classification Process June 2021. Collection method: clinical testing. Allele origin: germline. Affected: yes.
Comment: In silico analysis supports that this missense variant has a deleterious effect on protein structure/function; Not observed at significant frequency in large population cohorts (gnomAD); Has not been previously published as pathogenic or benign to our knowledge

NM_006494.4(ERF):c.165C>A (p.Phe55Leu)

Gene: ERF (ETS2 repressor factor; minus strand). Cytogenetic location: 19q13.2.
Variant type: single nucleotide variant.
Coding change: c.165C>A on transcript NM_006494.4 (MANE Select); coding-DNA position 165, C replaced by A.
Protein change: p.Phe55Leu; replaces phenylalanine 55 with leucine.
Molecular consequence: missense variant. On other transcripts: 5 prime UTR variant (3).
Genome position (GRCh38, 1-based): chr19:42,250,423, G>T on the plus strand (C>A on the coding strand, the complement: ERF is on the minus strand). VCF-style: chr19-42250423-G-T. GRCh37 (hg19) VCF-style: chr19-42754575-G-T.
Other names: c.-61C>A (NM_001301035.2, NM_001308402.2, NM_001312656.2); short protein forms F55L.
Identifiers: ClinVar variation 3603010 (VCV003603010.1).